The following is an entry in ClinVar:

NM_001429.4(EP300):c.316A>G (p.Ser106Gly)

Gene: EP300 (EP300 lysine acetyltransferase; plus strand). Cytogenetic location: 22q13.2.
Variant type: single nucleotide variant.
Coding change: c.316A>G on transcript NM_001429.4 (MANE Select); coding-DNA position 316, A replaced by G.
Protein change: p.Ser106Gly; replaces serine 106 with glycine.
Molecular consequence: missense variant.
Genome position (GRCh38, 1-based): chr22:41,117,408, A>G. VCF-style: chr22-41117408-A-G. GRCh37 (hg19) VCF-style: chr22-41513412-A-G.
Other names: c.316A>G, p.Ser106Gly (NM_001362843.2); short protein forms S106G.
Identifiers: ClinVar variation 134041 (VCV000134041.37), dbSNP rs150245975, ClinGen allele CA158492.

ClinVar aggregate classification (germline): Benign/Likely benign. Review status: criteria provided, multiple submitters, no conflicts (2 of 4 stars). 7 submissions from 7 submitters: Benign (1); Likely benign (3). 3 of the submissions do not count toward it. Last evaluated 2026-01-15.

Conditions:
EP300-related disorder. Also called: EP300-related disorders; EP300-related condition.
Rubinstein-Taybi syndrome due to EP300 haploinsufficiency. Also called: RUBINSTEIN-TAYBI SYNDROME 2; EP300-Related Rubinstein-Taybi Syndrome. Identifiers: Orphanet 353284, Orphanet 783, MedGen C3150941, MONDO:0013364, OMIM 613684.

Allele frequency attached by ClinVar (database versions not stated): 1000 Genomes Project 30x 0.00016; 1000 Genomes Project 0.00020; TOPMed 0.00040; gnomAD exomes 0.00048 and 0.00078; gnomAD 0.00051 and 0.00054; ESP Exome Variant Server 0.00054; ExAC 0.00055.
gnomAD v4.1: 1,196 of 1,614,210 alleles (0.074%); highest among the groups gnomAD compares: Non-Finnish European, 0.098%; no homozygotes.

Submissions (7):

Labcorp Genetics (formerly Invitae), Labcorp
Classification: Likely benign for Rubinstein-Taybi syndrome due to EP300 haploinsufficiency. Last evaluated: 2026-01-15. Review status: criteria provided, single submitter. Criteria: Invitae Variant Classification Sherloc (09022015). Collection method: clinical testing. Allele origin: germline.

CeGaT Center for Human Genetics Tuebingen
Classification: Likely benign. Last evaluated: 2025-07-01. Review status: criteria provided, single submitter. Criteria: CeGaT Center For Human Genetics Tuebingen Variant Classification Criteria Version 2. Collection method: clinical testing. Allele origin: germline. Affected: yes. Observed: 3 variant alleles.
Comment: EP300: BP4, BS1

Blueprint Genetics
Classification: Likely benign. Last evaluated: 2024-11-28. Review status: criteria provided, single submitter. Criteria: ACMG Guidelines, 2015. Collection method: clinical testing. Allele origin: germline.

GeneDx
Classification: Benign. Last evaluated: 2019-11-13. Review status: criteria provided, single submitter. Criteria: GeneDx Variant Classification Process June 2021. Collection method: clinical testing. Allele origin: germline. Affected: yes.

PreventionGenetics, part of Exact Sciences
Classification: Likely benign for EP300-related condition. Last evaluated: 2022-04-14. Review status: no assertion criteria provided. Collection method: clinical testing. Allele origin: germline. Not counted in ClinVar's aggregate classification.
Comment: This variant is classified as likely benign based on ACMG/AMP sequence variant interpretation guidelines (Richards et al. 2015 PMID: 25741868, with internal and published modifications).

ITMI
No classification provided. Condition: AllHighlyPenetrant. Last evaluated: 2013-09-19. Review status: no classification provided. Collection method: reference population. Allele origin: germline. Not counted in ClinVar's aggregate classification.
Comment: Please see associated publication for description of ethnicities

Department of Pathology and Laboratory Medicine, Sinai Health System
Classification: Likely benign. Review status: no assertion criteria provided. Collection method: clinical testing. Allele origin: unknown. Affected: yes. Study: The Canadian Open Genetics Repository (COGR). Not counted in ClinVar's aggregate classification.
Comment: The EP300 p.Ser106Gly variant was not identified in the literature nor was it identified in Cosmic or LOVD 3.0. The variant was identified in dbSNP (ID: rs150245975) and ClinVar (classified as likely benign by Illumina for Rubinstein-Taybi Syndrome). The variant was identified in control databases in 136 of 282856 chromosomes at a frequency of 0.000481 increasing the likelihood this could be a low frequency benign variant (Genome Aggregation Database Feb 27, 2017). The variant was observed in the following populations: European (non-Finnish) in 129 of 129168 chromosomes (freq: 0.000999), African in 5 of 24964 chromosomes (freq: 0.0002), Other in 1 of 7224 chromosomes (freq: 0.000138) and Latino in 1 of 35440 chromosomes (freq: 0.000028), but was not observed in the Ashkenazi Jewish, East Asian, European (Finnish) or South Asian populations. The p.Ser106 residue is conserved in mammals but not in more distantly related organisms however computational analyses (PolyPhen-2, SIFT, AlignGVGD, BLOSUM, MutationTaster) do not suggest a high likelihood of impact to the protein; this information is not predictive enough to rule out pathogenicity. The variant occurs outside of the splicing consensus sequence and three of four in silico or computational prediction software programs (SpliceSiteFinder, MaxEntScan, NNSPLICE, GeneSplicer) do not predict a difference in splicing. In summary, based on the above information the clinical significance of this variant cannot be determined with certainty at this time although we would lean towards a more benign role for this variant. This variant is classified as likely benign.

Literature cited by the submitters: PubMed 24728327 (cited by ITMI).